The following is an entry in ClinVar:

NM_001199753.2(CPT1C):c.2002T>C (p.Ser668Pro)

Gene: CPT1C (carnitine palmitoyltransferase 1C; plus strand). Cytogenetic location: 19q13.33.
Variant type: single nucleotide variant.
Coding change: c.2002T>C on transcript NM_001199753.2 (MANE Select); coding-DNA position 2002, T replaced by C.
Protein change: p.Ser668Pro; replaces serine 668 with proline.
Molecular consequence: missense variant. On other transcripts: non-coding transcript variant (1).
Genome position (GRCh38, 1-based): chr19:49,711,944, T>C. VCF-style: chr19-49711944-T-C. GRCh37 (hg19) VCF-style: chr19-50215201-T-C.
Other names: p.Ser668Pro; c.1969T>C, p.Ser657Pro (NM_001136052.3, NM_001378485.1); c.2002T>C, p.Ser668Pro (NM_001199752.3, NM_001378483.1, NM_001378484.1 and 1 more transcripts); c.2068T>C, p.Ser690Pro (NM_001378482.1); c.1867T>C, p.Ser623Pro (NM_001378486.1, NM_001378488.1); c.1834T>C, p.Ser612Pro (NM_001378487.1); short protein forms S612P, S623P, S657P, S668P, S690P.
Identifiers: ClinVar variation 2576627 (VCV002576627.2), dbSNP rs2514241908, ClinGen allele CA406909149.

ClinVar aggregate classification (germline): Uncertain significance (1 of 4 stars; one submission).

Conditions:
Hereditary spastic paraplegia 73. Also called: Spastic paraplegia 73, autosomal dominant. Identifiers: Orphanet 444099, MedGen C5568981, MONDO:0014568, OMIM 616282.

Submission:

Foundation for Research in Genetics and Endocrinology, FRIGE's Institute of Human Genetics
Classification: Uncertain significance for Hereditary spastic paraplegia 73. Last evaluated: 2023-08-17. Review status: criteria provided, single submitter. Criteria: ACMG Guidelines, 2015. Collection method: clinical testing. Allele origin: germline. Inheritance: Autosomal dominant inheritance. Affected: yes. Observed: 1 heterozygote.
Comment: The identified heterozygous missense substitution (p.Ser668Pro) lies in exon 17 of the CPT1C gene and alters a conserved residue in the protein. The variant p.Ser668Pro has not been reported in the 1000 genomes and gnomAD databases. The in silico prediction of the variant is possibly damaging by FATHMM, Mutation Assessor, Mutation Taster and SIFT respectively. In summary, the variant meets our criteria to be classified as variant of uncertain significance. .